The following is an entry in ClinVar:

NM_058216.3(RAD51C):c.1019A>C (p.Gln340Pro)

Gene: RAD51C (RAD51 paralog C; plus strand). Cytogenetic location: 17q22.
Variant type: single nucleotide variant.
Coding change: c.1019A>C on transcript NM_058216.3 (MANE Select); coding-DNA position 1019, A replaced by C.
Protein change: p.Gln340Pro; replaces glutamine 340 with proline.
Molecular consequence: missense variant. On other transcripts: non-coding transcript variant (1).
Genome position (GRCh38, 1-based): chr17:58,732,537, A>C. VCF-style: chr17-58732537-A-C. GRCh37 (hg19) VCF-style: chr17-56809898-A-C.
Other names: short protein forms Q340P.
Identifiers: ClinVar variation 3665537 (VCV003665537.2).

ClinVar aggregate classification (germline): Uncertain significance (1 of 4 stars; one submission).

Conditions:
Fanconi anemia complementation group O. Also called: RAD51C-Related Fanconi Anemia. Identifiers: Orphanet 84, MedGen C3150653, MONDO:0013248, OMIM 613390.

Submission:

Labcorp Genetics (formerly Invitae), Labcorp
Classification: Uncertain significance for Fanconi anemia complementation group O. Last evaluated: 2025-01-30. Review status: criteria provided, single submitter. Criteria: Invitae Variant Classification Sherloc (09022015). Collection method: clinical testing. Allele origin: germline.
Comment: This sequence change replaces glutamine, which is neutral and polar, with proline, which is neutral and non-polar, at codon 340 of the RAD51C protein (p.Gln340Pro). This variant is not present in population databases (gnomAD no frequency). This variant has not been reported in the literature in individuals affected with RAD51C-related conditions. Invitae Evidence Modeling of protein sequence and biophysical properties (such as structural, functional, and spatial information, amino acid conservation, physicochemical variation, residue mobility, and thermodynamic stability) indicates that this missense variant is expected to disrupt RAD51C protein function with a positive predictive value of 80%. In summary, the available evidence is currently insufficient to determine the role of this variant in disease. Therefore, it has been classified as a Variant of Uncertain Significance.